The following is an entry in ClinVar:

NM_006351.4(TIMM44):c.102G>A (p.Ser34=)

Gene: TIMM44 (translocase of inner mitochondrial membrane 44; minus strand). Cytogenetic location: 19p13.2.
Variant type: single nucleotide variant.
Coding change: c.102G>A on transcript NM_006351.4 (MANE Select); coding-DNA position 102, G replaced by A.
Protein change: p.Ser34=; no amino-acid change (serine 34 retained).
Molecular consequence: synonymous variant.
Genome position (GRCh38, 1-based): chr19:7,941,141, C>T on the plus strand (G>A on the coding strand, the complement: TIMM44 is on the minus strand). VCF-style: chr19-7941141-C-T. GRCh37 (hg19) VCF-style: chr19-8006026-C-T.
Identifiers: ClinVar variation 215252 (VCV000215252.2), dbSNP rs147729581, ClinGen allele CA322890.

ClinVar aggregate classification (germline): Benign. Review status: criteria provided, multiple submitters, no conflicts (2 of 4 stars). 2 submissions from 2 submitters: Benign (2). Last evaluated 2015-01-08.

Allele frequency attached by ClinVar (database versions not stated): gnomAD 0.00065 and 0.00068; TOPMed 0.00065; 1000 Genomes Project 30x 0.00031; ExAC 0.00059; 1000 Genomes Project 0.00020; gnomAD exomes 0.00064; ESP Exome Variant Server 0.00115.

Submissions (2):

GeneDx
Classification: Benign. Last evaluated: 2015-01-08. Review status: criteria provided, single submitter. Criteria: GeneDx Variant Classification (06012015). Collection method: clinical testing. Allele origin: germline. Affected: yes.
Comment: This variant is considered likely benign or benign based on one or more of the following criteria: it is a conservative change, it occurs at a poorly conserved position in the protein, it is predicted to be benign by multiple in silico algorithms, and/or has population frequency not consistent with disease.

Breakthrough Genomics
Classification: Benign. Review status: criteria provided, single submitter. Criteria: ACMG Guidelines, 2015. Collection method: not provided. Allele origin: germline. Inheritance: Unknown mechanism. Affected: yes.